The following is an entry in ClinVar:

ClinVar aggregate classification (germline): Uncertain significance. Review status: criteria provided, multiple submitters, no conflicts (2 of 4 stars). 2 submissions from 2 submitters: Uncertain significance (2). Last evaluated 2025-05-05.

Conditions:
Hereditary cancer-predisposing syndrome. Also called: Tumor predisposition; Neoplastic Syndromes, Hereditary; Hereditary neoplastic syndrome; Hereditary Cancer Syndrome. Identifiers: Orphanet 140162, MedGen C0027672, MeSH D009386, MONDO:0015356.

gnomAD v4.1: 4 of 1,614,024 alleles (0.00025%); highest among the groups gnomAD compares: Non-Finnish European, 0.00034%; no homozygotes.

Submissions (2):

Labcorp Genetics (formerly Invitae), Labcorp
Classification: Uncertain significance. Last evaluated: 2025-05-05. Review status: criteria provided, single submitter. Criteria: Invitae Variant Classification Sherloc (09022015). Collection method: clinical testing. Allele origin: germline.
Comment: This sequence change replaces serine, which is neutral and polar, with tyrosine, which is neutral and polar, at codon 904 of the MSH3 protein (p.Ser904Tyr). This variant is not present in population databases (gnomAD no frequency). This variant has not been reported in the literature in individuals affected with MSH3-related conditions. ClinVar contains an entry for this variant (Variation ID: 849291). An algorithm developed to predict the effect of missense changes on protein structure and function (PolyPhen-2) suggests that this variant is likely to be disruptive. In summary, the available evidence is currently insufficient to determine the role of this variant in disease. Therefore, it has been classified as a Variant of Uncertain Significance.

Ambry Genetics
Classification: Uncertain significance for Hereditary cancer-predisposing syndrome. Last evaluated: 2024-04-11. Review status: criteria provided, single submitter. Criteria: Ambry Variant Classification Scheme 2023. Collection method: clinical testing. Allele origin: germline.
Comment: The p.S904Y variant (also known as c.2711C>A), located in coding exon 20 of the MSH3 gene, results from a C to A substitution at nucleotide position 2711. The serine at codon 904 is replaced by tyrosine, an amino acid with dissimilar properties. This amino acid position is highly conserved in available vertebrate species. In addition, this alteration is predicted to be deleterious by in silico analysis. Based on the available evidence, the clinical significance of this variant remains unclear.

NM_002439.5(MSH3):c.2711C>A (p.Ser904Tyr)

Gene: MSH3 (mutS homolog 3; plus strand). Cytogenetic location: 5q14.1.
Variant type: single nucleotide variant.
Coding change: c.2711C>A on transcript NM_002439.5 (MANE Select); coding-DNA position 2711, C replaced by A.
Protein change: p.Ser904Tyr; replaces serine 904 with tyrosine.
Molecular consequence: missense variant.
Genome position (GRCh38, 1-based): chr5:80,813,639, C>A. VCF-style: chr5-80813639-C-A. GRCh37 (hg19) VCF-style: chr5-80109458-C-A.
Other names: short protein forms S904Y.
Identifiers: ClinVar variation 849291 (VCV000849291.12), dbSNP rs1561486672, ClinGen allele CA360273921.